The following is an entry in ClinVar:

NM_006070.6(TFG):c.898C>A (p.Pro300Thr)

Gene: TFG (trafficking from ER to golgi regulator; plus strand). Cytogenetic location: 3q12.2.
Variant type: single nucleotide variant.
Coding change: c.898C>A on transcript NM_006070.6 (MANE Select); coding-DNA position 898, C replaced by A.
Protein change: p.Pro300Thr; replaces proline 300 with threonine.
Molecular consequence: missense variant.
Genome position (GRCh38, 1-based): chr3:100,748,226, C>A. VCF-style: chr3-100748226-C-A. GRCh37 (hg19) VCF-style: chr3-100467070-C-A.
Other names: c.898C>A, p.Pro300Thr (NM_001007565.2, NM_001195478.2); c.886C>A, p.Pro296Thr (NM_001195479.2); short protein forms P296T, P300T.
Identifiers: ClinVar variation 859556 (VCV000859556.9), dbSNP rs1210008384, ClinGen allele CA353853191.
Genomic context (GRCh38, chr3:100,748,226, plus strand): 5'-ACTGGACCTCAACAACCTCAGCAGTTCCAGGGATATGGCCAGCAACCAACTTCCCAGGCA[C>A]CAGCTCCTGCCTTTTCTGGTCAGCCTCAACAACTGCCTGCTCAGCCGCCACAGCAGTACC-3'
Protein context (NP_006061.2, residues 290-310): GYGQQPTSQA[Pro300Thr]APAFSGQPQQ

ClinVar aggregate classification (germline): Uncertain significance (1 of 4 stars; one submission).

Conditions:
Hereditary motor and sensory neuropathy, Okinawa type (HMSNO). Also called: HEREDITARY MOTOR AND SENSORY NEUROPATHY, PROXIMAL TYPE. Identifiers: Orphanet 90117, MedGen C1858338, MONDO:0011468, OMIM 604484.
Hereditary spastic paraplegia 57. Also called: Spastic paraplegia 57, autosomal recessive. Identifiers: Orphanet 431329, MedGen C3714897, MONDO:0014295, OMIM 615658.

Submission:

Labcorp Genetics (formerly Invitae), Labcorp
Classification: Uncertain significance for Hereditary motor and sensory neuropathy, Okinawa type; Hereditary spastic paraplegia 57. Last evaluated: 2019-01-26. Review status: criteria provided, single submitter. Criteria: Invitae Variant Classification Sherloc (09022015). Collection method: clinical testing. Allele origin: germline.
Comment: This variant is not present in population databases (ExAC no frequency). In summary, the available evidence is currently insufficient to determine the role of this variant in disease. Therefore, it has been classified as a Variant of Uncertain Significance. Algorithms developed to predict the effect of missense changes on protein structure and function are either unavailable or do not agree on the potential impact of this missense change (SIFT: "Tolerated"; PolyPhen-2: "Possibly Damaging"; Align-GVGD: "Class C0"). This variant has not been reported in the literature in individuals with TFG-related conditions. This sequence change replaces proline with threonine at codon 300 of the TFG protein (p.Pro300Thr). The proline residue is highly conserved and there is a small physicochemical difference between proline and threonine.